The following is an entry in ClinVar:

ClinVar aggregate classification (germline): Uncertain significance (1 of 4 stars; one submission).

gnomAD v4.1: 1 of 1,614,098 alleles (0.000062%); highest among the groups gnomAD compares: Non-Finnish European, 0.000085%; no homozygotes.

Submission:

Ambry Genetics
Classification: Uncertain significance. Last evaluated: 2025-09-29. Review status: criteria provided, single submitter. Criteria: Ambry Variant Classification Scheme 2023. Collection method: clinical testing. Allele origin: germline.
Comment: The p.A996V variant (also known as c.2987C>T), located in coding exon 1 of the TET2 gene, results from a C to T substitution at nucleotide position 2987. The alanine at codon 996 is replaced by valine, an amino acid with similar properties. This amino acid position is conserved. In addition, this alteration is predicted to be tolerated by in silico analysis. Based on the available evidence, the clinical significance of this variant remains unclear.

NM_001127208.3(TET2):c.2987C>T (p.Ala996Val)

Genes: TET2 (tet methylcytosine dioxygenase 2; plus strand), TET2-AS1 (TET2 antisense RNA 1; minus strand). Cytogenetic location: 4q24.
Variant type: single nucleotide variant.
Coding change: c.2987C>T on transcript NM_001127208.3 (MANE Select); coding-DNA position 2987, C replaced by T.
Protein change: p.Ala996Val; replaces alanine 996 with valine.
Molecular consequence: missense variant.
Genome position (GRCh38, 1-based): chr4:105,236,929, C>T. VCF-style: chr4-105236929-C-T. GRCh37 (hg19) VCF-style: chr4-106158086-C-T.
Other names: c.2987C>T, p.Ala996Val (NM_017628.4); short protein forms A996V.
Identifiers: ClinVar variation 4594133 (VCV004594133.1).
Genomic context (GRCh38, chr4:105,236,929, plus strand): 5'-AGATGCACAGGCCAATTAAGGTGGAACCTGGATGCAAGCCACATGCCTGTATGCACACAG[C>T]ACCACCAGAAAACAAAACATGGAAAAAGGTAACTAAGCAAGAGAATCCACCTGCAAGCTG-3'
Protein context (NP_001120680.1, residues 986-1006): GCKPHACMHT[Ala996Val]PPENKTWKKV